The following is an entry in ClinVar:

NM_206933.4(USH2A):c.6016A>G (p.Ser2006Gly)

Gene: USH2A (usherin; minus strand). Cytogenetic location: 1q41.
Variant type: single nucleotide variant.
Coding change: c.6016A>G on transcript NM_206933.4 (MANE Select); coding-DNA position 6016, A replaced by G.
Protein change: p.Ser2006Gly; replaces serine 2006 with glycine.
Molecular consequence: missense variant.
Genome position (GRCh38, 1-based): chr1:216,070,134, T>C on the plus strand (A>G on the coding strand, the complement: USH2A is on the minus strand). VCF-style: chr1-216070134-T-C. GRCh37 (hg19) VCF-style: chr1-216243476-T-C.
Other names: short protein forms S2006G.
Identifiers: ClinVar variation 3603597 (VCV003603597.2).

ClinVar aggregate classification (germline): Uncertain significance (1 of 4 stars; one submission).

Submission:

Labcorp Genetics (formerly Invitae), Labcorp
Classification: Uncertain significance. Last evaluated: 2024-10-12. Review status: criteria provided, single submitter. Criteria: Invitae Variant Classification Sherloc (09022015). Collection method: clinical testing. Allele origin: germline.
Comment: This sequence change replaces serine, which is neutral and polar, with glycine, which is neutral and non-polar, at codon 2006 of the USH2A protein (p.Ser2006Gly). This variant is not present in population databases (gnomAD no frequency). This variant has not been reported in the literature in individuals affected with USH2A-related conditions. Invitae Evidence Modeling of protein sequence and biophysical properties (such as structural, functional, and spatial information, amino acid conservation, physicochemical variation, residue mobility, and thermodynamic stability) indicates that this missense variant is not expected to disrupt USH2A protein function with a negative predictive value of 95%. In summary, the available evidence is currently insufficient to determine the role of this variant in disease. Therefore, it has been classified as a Variant of Uncertain Significance.